The following is an entry in ClinVar:

NM_020987.5(ANK3):c.5762_5763inv (p.Thr1921Met)

Gene: ANK3 (ankyrin 3; minus strand). Cytogenetic location: 10q21.2.
Variant type: Inversion.
Coding change: c.5762_5763inv on transcript NM_020987.5 (MANE Select).
Protein change: p.Thr1921Met; replaces threonine 1921 with methionine.
Molecular consequence: missense variant. On other transcripts: intron variant (4).
Genome position: GRCh38 VCF-style: chr10-60075118-TG-CA. GRCh37 (hg19) VCF-style: chr10-61834876-TG-CA.
Other names: c.4387+5418_4387+5419inv (NM_001204403.2); c.4408+5418_4408+5419inv (NM_001204404.2); c.4405+5418_4405+5419inv (NM_001320874.2); c.1807+5418_1807+5419inv (NM_001149.4); short protein forms T1921M.
Identifiers: ClinVar variation 4527323 (VCV004527323.2).

ClinVar aggregate classification (germline): Uncertain significance (1 of 4 stars; one submission).

Submission:

GeneDx
Classification: Uncertain significance. Last evaluated: 2026-10-07. Review status: criteria provided, single submitter. Criteria: GeneDx Variant Classification Process June 2021. Collection method: clinical testing. Allele origin: germline.
Comment: Not observed at significant frequency in large population cohorts (gnomAD); In silico analysis indicates that this variant does not alter protein structure/function; Has not been previously published as pathogenic or benign to our knowledge